The following is an entry in ClinVar:

ClinVar aggregate classification (germline): Benign/Likely benign. Review status: criteria provided, multiple submitters, no conflicts (2 of 4 stars). 4 submissions from 3 submitters: Benign (2); Likely benign (2). Last evaluated 2025-05-22.

Conditions:
Aortic valve disease 1 (AOVD1). Identifiers: MedGen C3887892, MONDO:0024523, OMIM 109730.
Adams-Oliver syndrome 5 (AOS5). Identifiers: Orphanet 974, MedGen C4014970, MONDO:0014459, OMIM 616028.

Allele frequency attached by ClinVar (database versions not stated): gnomAD exomes 0.00001 and 0.00002; TOPMed 0.00001.
gnomAD v4.1: 20 of 1,540,456 alleles (0.0013%); highest among the groups gnomAD compares: East Asian, 0.0025%; no homozygotes.

Submissions (4):

Labcorp Genetics (formerly Invitae), Labcorp
Classification: Likely benign for Adams-Oliver syndrome 5. Last evaluated: 2025-05-22. Review status: criteria provided, single submitter. Criteria: Invitae Variant Classification Sherloc (09022015). Collection method: clinical testing. Allele origin: germline.

Genome-Nilou Lab
Classification: Benign for Adams-Oliver syndrome 5. Last evaluated: 2022-03-15. Review status: criteria provided, single submitter. Criteria: ACMG Guidelines, 2015. Collection method: clinical testing. Allele origin: germline. Affected: no.

Genome-Nilou Lab
Classification: Benign for Aortic valve disease 1. Last evaluated: 2022-03-15. Review status: criteria provided, single submitter. Criteria: ACMG Guidelines, 2015. Collection method: clinical testing. Allele origin: germline. Affected: no.

GeneDx
Classification: Likely benign. Last evaluated: 2018-03-15. Review status: criteria provided, single submitter. Criteria: GeneDx Variant Classification (06012015). Collection method: clinical testing. Allele origin: germline. Affected: yes.
Comment: This variant is considered likely benign or benign based on one or more of the following criteria: it is a conservative change, it occurs at a poorly conserved position in the protein, it is predicted to be benign by multiple in silico algorithms, and/or has population frequency not consistent with disease.

NM_017617.5(NOTCH1):c.3171+8C>T

Gene: NOTCH1 (notch receptor 1; minus strand). Cytogenetic location: 9q34.3.
Variant type: single nucleotide variant.
Coding change: c.3171+8C>T on transcript NM_017617.5 (MANE Select); 8 bases into the intron after coding-DNA position 3171, C replaced by T.
Molecular consequence: intron variant.
Genome position (GRCh38, 1-based): chr9:136,508,862, G>A on the plus strand (C>T on the coding strand, the complement: NOTCH1 is on the minus strand). VCF-style: chr9-136508862-G-A. GRCh37 (hg19) VCF-style: chr9-139403314-G-A.
Identifiers: ClinVar variation 680404 (VCV000680404.9), dbSNP rs985717588, ClinGen allele CA201581122.